The following is an entry in ClinVar:

ClinVar aggregate classification (germline): Uncertain significance (1 of 4 stars; one submission).

Conditions:
Fanconi anemia (FA). Also called: Fanconi's anemia. Identifiers: Orphanet 84, MedGen C0015625, MeSH D005199, MONDO:0019391.

Allele frequency attached by ClinVar (database versions not stated): gnomAD exomes below 0.00001; ExAC 0.00001; gnomAD 0.00001; TOPMed 0.00001.
gnomAD v4.1: 2 of 1,614,012 alleles (0.00012%); highest among the groups gnomAD compares: African/African-American, 0.0027%; no homozygotes.

Submission:

Labcorp Genetics (formerly Invitae), Labcorp
Classification: Uncertain significance for Fanconi anemia. Last evaluated: 2021-11-26. Review status: criteria provided, single submitter. Criteria: Invitae Variant Classification Sherloc (09022015). Collection method: clinical testing. Allele origin: germline.
Comment: In summary, the available evidence is currently insufficient to determine the role of this variant in disease. Therefore, it has been classified as a Variant of Uncertain Significance. Algorithms developed to predict the effect of missense changes on protein structure and function are either unavailable or do not agree on the potential impact of this missense change (SIFT: "Deleterious"; PolyPhen-2: "Benign"; Align-GVGD: "Class C45"). This variant has not been reported in the literature in individuals affected with FANCI-related conditions. This variant is present in population databases (rs750520404, gnomAD 0.007%). This sequence change replaces methionine, which is neutral and non-polar, with arginine, which is basic and polar, at codon 205 of the FANCI protein (p.Met205Arg).

NM_001113378.2(FANCI):c.614T>G (p.Met205Arg)

Gene: FANCI (FA complementation group I; plus strand). Cytogenetic location: 15q26.1.
Variant type: single nucleotide variant.
Coding change: c.614T>G on transcript NM_001113378.2 (MANE Select); coding-DNA position 614, T replaced by G.
Protein change: p.Met205Arg; replaces methionine 205 with arginine.
Molecular consequence: missense variant.
Genome position (GRCh38, 1-based): chr15:89,263,971, T>G. VCF-style: chr15-89263971-T-G. GRCh37 (hg19) VCF-style: chr15-89807202-T-G.
Other names: c.335T>G, p.Met112Arg (NM_001376910.1); c.614T>G, p.Met205Arg (NM_001376911.1, NM_018193.3); short protein forms M205R, M112R.
Identifiers: ClinVar variation 1421524 (VCV001421524.6), dbSNP rs750520404, ClinGen allele CA7722700.